The following is an entry in ClinVar:

ClinVar aggregate classification (germline): Uncertain significance (0 of 4 stars; one submission).

Conditions:
GRIK5-related disorder. Also called: GRIK5-related condition.

Allele frequency attached by ClinVar (database versions not stated): gnomAD exomes below 0.00001.

Submission:

PreventionGenetics, part of Exact Sciences
Classification: Uncertain significance for GRIK5-related condition. Last evaluated: 2023-12-29. Review status: no assertion criteria provided. Collection method: clinical testing. Allele origin: germline.
Comment: The GRIK5 c.757C>T variant is predicted to result in the amino acid substitution p.His253Tyr. To our knowledge, this variant has not been reported in the literature or in a large population database, indicating this variant is rare. At this time, the clinical significance of this variant is uncertain due to the absence of conclusive functional and genetic evidence.

NM_002088.5(GRIK5):c.757C>T (p.His253Tyr)

Gene: GRIK5 (glutamate ionotropic receptor kainate type subunit 5; minus strand). Cytogenetic location: 19q13.2.
Variant type: single nucleotide variant.
Coding change: c.757C>T on transcript NM_002088.5 (MANE Select); coding-DNA position 757, C replaced by T.
Protein change: p.His253Tyr; replaces histidine 253 with tyrosine.
Molecular consequence: missense variant.
Genome position (GRCh38, 1-based): chr19:42,056,808, G>A on the plus strand (C>T on the coding strand, the complement: GRIK5 is on the minus strand). VCF-style: chr19-42056808-G-A. GRCh37 (hg19) VCF-style: chr19-42560960-G-A.
Other names: c.757C>T, p.His253Tyr (NM_001301030.2); short protein forms H253Y.
Identifiers: ClinVar variation 3041333 (VCV003041333.2), dbSNP rs2514334509, ClinGen allele CA406065360.